The following is an entry in ClinVar:

NM_001128840.3(CACNA1D):c.2972C>T (p.Pro991Leu)

Gene: CACNA1D (calcium voltage-gated channel subunit alpha1 D; plus strand). Cytogenetic location: 3p21.1.
Variant type: single nucleotide variant.
Coding change: c.2972C>T on transcript NM_001128840.3 (MANE Select); coding-DNA position 2972, C replaced by T.
Protein change: p.Pro991Leu; replaces proline 991 with leucine.
Molecular consequence: missense variant.
Genome position (GRCh38, 1-based): chr3:53,744,793, C>T. VCF-style: chr3-53744793-C-T. GRCh37 (hg19) VCF-style: chr3-53778820-C-T.
Other names: c.3032C>T, p.Pro1011Leu (NM_000720.4); c.2972C>T, p.Pro991Leu (NM_001128839.3); short protein forms P1011L, P991L.
Identifiers: ClinVar variation 3766202 (VCV003766202.1).

ClinVar aggregate classification (germline): Uncertain significance (1 of 4 stars; one submission).

Submission:

GeneDx
Classification: Uncertain significance. Last evaluated: 2024-08-30. Review status: criteria provided, single submitter. Criteria: GeneDx Variant Classification Process June 2021. Collection method: clinical testing. Allele origin: germline. Affected: yes.
Comment: Not observed at significant frequency in large population cohorts (gnomAD); In silico analysis supports that this missense variant has a deleterious effect on protein structure/function; Has not been previously published as pathogenic or benign to our knowledge